The following is an entry in ClinVar:

NM_033380.3(COL4A5):c.2637_2638del (p.Pro880fs)

Gene: COL4A5 (collagen type IV alpha 5 chain; plus strand). Cytogenetic location: Xq22.3.
Variant type: Deletion.
Coding change: c.2637_2638del on transcript NM_033380.3 (MANE Select); coding-DNA positions 2637 to 2638, 2 bases deleted (AC; older notation c.2637_2638delAC).
Protein change: p.Pro880fs; shifts the reading frame from proline 880.
Molecular consequence: frameshift variant.
Genome position (GRCh38, 1-based): chrX:108,620,386-108,620,387, AC deleted; deleting any 2 consecutive bases within chrX:108,620,385-108,620,387 gives the same sequence; the c. name uses the placement nearest the transcript's 3' end. VCF-style (leftmost placement, unchanged base first): chrX-108620384-TCA-T. GRCh37 (hg19) VCF-style: chrX-107863614-TCA-T.
Other names: c.2637_2638del, p.Pro880fs (NM_000495.5); short protein forms P880fs.
Identifiers: ClinVar variation 1725794 (VCV001725794.2), dbSNP rs2524396617, ClinGen allele CA2580100192.
Genomic context (GRCh38, chrX:108,620,384, plus strand): 5'-CCAGGTGAAAGAGGCAGTCCAGGGATCCCCGGAGCACCTGGTCCTATAGGACCTCCAGGA[TCA>T]CCAGGGCTTCCAGGAAAAGCAGGTGCCTCTGGATTTCCAGGTAATTTGTTTAAAGTTTTC-3'

ClinVar aggregate classification (germline): Likely pathogenic (1 of 4 stars; one submission).

Conditions:
X-linked Alport syndrome (ATS1). Also called: NEPHROPATHY AND DEAFNESS, X-LINKED; COL4A5-Related Nephropathy. Identifiers: Orphanet 63, Orphanet 88917, MedGen C4746986, MONDO:0010520, OMIM 301050.

Submission:

Myriad Genetics, Inc.
Classification: Likely pathogenic for X-linked Alport syndrome. Last evaluated: 2022-04-01. Review status: criteria provided, single submitter. Criteria: Myriad Women's Health Autosomal Recessive and X-Linked Classification Criteria (2021). Collection method: clinical testing. Allele origin: unknown.
Comment: NM_000495.4(COL4A5):c.2637_2638delAC(P880Rfs*17) is expected to be pathogenic in the context of X-linked Alport syndrome. This variant is predicted to lead to an abnormal or absent protein product due to the creation of a premature termination codon in COL4A5, a gene where loss-of-function variants are known to be pathogenic. Please note: this variant was assessed in the context of healthy population screening.